The following is an entry in ClinVar:

ClinVar aggregate classification (germline): Benign/Likely benign. Review status: criteria provided, multiple submitters, no conflicts (2 of 4 stars). 2 submissions from 2 submitters: Benign (1); Likely benign (1). Last evaluated 2024-08-21.

Conditions:
Fanconi anemia complementation group J. Also called: BRIP1-Related Fanconi Anemia. Identifiers: Orphanet 84, MedGen C1836860, MONDO:0012187, OMIM 609054.
Familial cancer of breast. Also called: BREAST CANCER, FAMILIAL; hereditary breast carcinoma; Hereditary breast cancer. Identifiers: Orphanet 227535, MedGen C0346153, MONDO:0016419, OMIM 114480. Disease mechanism: loss of function.

gnomAD v4.1: 1 of 1,614,142 alleles (0.000062%); no homozygotes.

Submissions (2):

Myriad Genetics, Inc.
Classification: Benign for Familial cancer of breast. Last evaluated: 2024-08-21. Review status: criteria provided, single submitter. Criteria: Myriad Autosomal Dominant, Autosomal Recessive and X-Linked Classification Criteria (2023). Collection method: clinical testing. Allele origin: unknown.
Comment: This variant is considered benign. This variant is a silent/synonymous amino acid change and it is not expected to impact splicing.

Labcorp Genetics (formerly Invitae), Labcorp
Classification: Likely benign for Familial cancer of breast; Fanconi anemia complementation group J. Last evaluated: 2022-01-15. Review status: criteria provided, single submitter. Criteria: Invitae Variant Classification Sherloc (09022015). Collection method: clinical testing. Allele origin: germline.

NM_032043.3(BRIP1):c.294T>C (p.Asn98=)

Gene: BRIP1 (BRCA1 interacting DNA helicase 1; minus strand). Cytogenetic location: 17q23.2.
Variant type: single nucleotide variant.
Coding change: c.294T>C on transcript NM_032043.3 (MANE Select); coding-DNA position 294, T replaced by C.
Protein change: p.Asn98=; no amino-acid change (asparagine 98 retained).
Molecular consequence: synonymous variant.
Genome position (GRCh38, 1-based): chr17:61,857,143, A>G on the plus strand (T>C on the coding strand, the complement: BRIP1 is on the minus strand). VCF-style: chr17-61857143-A-G. GRCh37 (hg19) VCF-style: chr17-59934504-A-G.
Identifiers: ClinVar variation 530376 (VCV000530376.10), dbSNP rs1555617859, ClinGen allele CA501151395.
Genomic context (GRCh38, chr17:61,857,143, plus strand): 5'-TCTTTCAGAAGGTGGTGTGCTTGGATAGTTGAAATGACGTGAAGTTCCTTGGTTCATGTC[A>G]TTGTTTGTAAAATCCTTTGAATGGCATGCACAACAACATGACAATTGTACTTCAGCTTTT-3'
Protein context (NP_114432.2, residues 88-108): CACHSKDFTN[Asn98=]DMNQGTSRHF